The following is an entry in ClinVar:

ClinVar aggregate classification (germline): Uncertain significance (1 of 4 stars; one submission).

Conditions:
H19-related disorder. Also called: H19-related condition.

Submission:

PreventionGenetics, part of Exact Sciences
Classification: Uncertain significance for H19-related condition. Last evaluated: 2025-06-23. Review status: criteria provided, single submitter. Criteria: ACMG Guidelines, 2015. Collection method: clinical testing. Allele origin: germline.
Comment: The H19 n.-1375G>C variant is predicted to interfere with splicing. To our knowledge, this variant has not been reported in the literature or in a large population database (gnomAD), indicating this variant is rare. A few variants in the upstream regulatory region of H19 have been reported in association with Silver-Russel syndrome or Beckwith-Wiedemann syndrome (see for example, Demars et al. 2010. PubMed ID: 20007505; Schönherr et al. 2008. PubMed ID: 19209620). At this time, the clinical significance of this variant is uncertain due to the absence of conclusive functional and genetic evidence.

NC_000011.10:g.1999250C>G

Genes: H19 (H19 imprinted maternally expressed transcript; minus strand), H19-ICR (H19/IGF2 imprinting control region; plus strand), MRPL23 (mitochondrial ribosomal protein L23; plus strand). Cytogenetic location: 11p15.5.
Variant type: single nucleotide variant.
Molecular consequence: intron variant (on NM_001400176.1).
Genome position: GRCh38 VCF-style: chr11-1999250-C-G. GRCh37 (hg19) VCF-style: chr11-2020480-C-G.
Other names: c.498-12291C>G (NM_001400176.1).
Identifiers: ClinVar variation 4997577 (VCV004997577.1).